The following is an entry in ClinVar:

ClinVar aggregate classification (germline): Uncertain significance (1 of 4 stars; one submission).

Submission:

CeGaT Center for Human Genetics Tuebingen
Classification: Uncertain significance. Last evaluated: 2025-01-01. Review status: criteria provided, single submitter. Criteria: CeGaT Center For Human Genetics Tuebingen Variant Classification Criteria Version 2. Collection method: clinical testing. Allele origin: germline. Affected: yes. Observed: 2 variant alleles.
Comment: GUF1: PM2, BP4

NM_021927.3(GUF1):c.932A>G (p.His311Arg)

Gene: GUF1 (GTP binding elongation factor GUF1; plus strand). Cytogenetic location: 4p12.
Variant type: single nucleotide variant.
Coding change: c.932A>G on transcript NM_021927.3 (MANE Select); coding-DNA position 932, A replaced by G.
Protein change: p.His311Arg; replaces histidine 311 with arginine.
Molecular consequence: missense variant. On other transcripts: 5 prime UTR variant (2).
Genome position (GRCh38, 1-based): chr4:44,686,707, A>G. VCF-style: chr4-44686707-A-G. GRCh37 (hg19) VCF-style: chr4-44688724-A-G.
Other names: c.-41A>G (NM_001345867.2, NM_001345869.2); c.932A>G, p.His311Arg (NM_001345868.2); short protein forms H311R.
Identifiers: ClinVar variation 3772302 (VCV003772302.13).